The following is an entry in ClinVar:

ClinVar aggregate classification (germline): Uncertain significance (1 of 4 stars; one submission).

Conditions:
Hereditary sensory and autonomic neuropathy type 7. Also called: HSAN VII; Neuropathy, hereditary sensory and autonomic, type VII. Identifiers: Orphanet 391397, MedGen C3809882, MONDO:0014244, OMIM 615548.
Familial episodic pain syndrome with predominantly lower limb involvement. Also called: Episodic pain syndrome, familial, 3. Identifiers: Orphanet 391384, Orphanet 391392, MedGen C3809899, MONDO:0014247, OMIM 615552.

Allele frequency attached by ClinVar (database versions not stated): gnomAD exomes below 0.00001.
gnomAD v4.1: 1 of 1,569,630 alleles (0.000064%); no homozygotes.

Submission:

Labcorp Genetics (formerly Invitae), Labcorp
Classification: Uncertain significance for Familial episodic pain syndrome with predominantly lower limb involvement; Hereditary sensory and autonomic neuropathy type 7. Last evaluated: 2022-03-13. Review status: criteria provided, single submitter. Criteria: Invitae Variant Classification Sherloc (09022015). Collection method: clinical testing. Allele origin: germline.
Comment: In summary, the available evidence is currently insufficient to determine the role of this variant in disease. Therefore, it has been classified as a Variant of Uncertain Significance. Algorithms developed to predict the effect of missense changes on protein structure and function are either unavailable or do not agree on the potential impact of this missense change (SIFT: "Deleterious"; PolyPhen-2: "Benign"; Align-GVGD: "Class C65"). This variant has not been reported in the literature in individuals affected with SCN11A-related conditions. This variant is not present in population databases (gnomAD no frequency). This sequence change replaces proline, which is neutral and non-polar, with serine, which is neutral and polar, at codon 1349 of the SCN11A protein (p.Pro1349Ser).

NM_001349253.2(SCN11A):c.4045C>T (p.Pro1349Ser)

Gene: SCN11A (sodium voltage-gated channel alpha subunit 11; minus strand). Cytogenetic location: 3p22.2.
Variant type: single nucleotide variant.
Coding change: c.4045C>T on transcript NM_001349253.2 (MANE Select); coding-DNA position 4045, C replaced by T.
Protein change: p.Pro1349Ser; replaces proline 1349 with serine.
Molecular consequence: missense variant.
Genome position (GRCh38, 1-based): chr3:38,863,206, G>A on the plus strand (C>T on the coding strand, the complement: SCN11A is on the minus strand). VCF-style: chr3-38863206-G-A. GRCh37 (hg19) VCF-style: chr3-38904697-G-A.
Other names: c.4045C>T, p.Pro1349Ser (NM_014139.3); short protein forms P1349S.
Identifiers: ClinVar variation 2110817 (VCV002110817.4), dbSNP rs2471008245, ClinGen allele CA352167380.